The following is an entry in ClinVar:

ClinVar aggregate classification (germline): Uncertain significance (1 of 4 stars; one submission).

Submission:

CeGaT Center for Human Genetics Tuebingen
Classification: Uncertain significance. Last evaluated: 2023-02-01. Review status: criteria provided, single submitter. Criteria: CeGaT Center For Human Genetics Tuebingen Variant Classification Criteria Version 2. Collection method: clinical testing. Allele origin: germline. Affected: yes. Observed: 1 variant allele.
Comment: USP26: PM2, PP4

NM_031907.3(USP26):c.1044dup (p.Lys349Ter)

Gene: USP26 (ubiquitin specific peptidase 26; minus strand). Cytogenetic location: Xq26.2.
Variant type: Duplication.
Coding change: c.1044dup on transcript NM_031907.3 (MANE Select); coding-DNA position 1044, one base duplicated (T; older notation c.1044dupT).
Protein change: p.Lys349Ter; replaces lysine 349 with a stop codon.
Molecular consequence: nonsense.
Genome position (GRCh38, 1-based): chrX:133,027,177, A duplicated on the plus strand (T on the coding strand, the reverse complement: USP26 is on the minus strand); the first of 8 consecutive A bases (chrX:133,027,177-133,027,184); duplicating any one gives the same sequence. VCF-style (leftmost placement, unchanged base first): chrX-133027176-T-TA. GRCh37 (hg19) VCF-style: chrX-132161204-T-TA.
Other names: short protein forms K349*.
Identifiers: ClinVar variation 2499153 (VCV002499153.28), dbSNP rs772870708, ClinGen allele CA10519928.
Genomic context (GRCh38, chrX:133,027,176, plus strand): 5'-AAATGGCCTTTTTAAGATTCAAGAGTAACATCTCCTTGATTTCTATATTATAGGTATCTT[T>TA]AAAAAAAAGTAGCCGTGCCAAGCACATGGTAAGAGCATTAAGGGGAATTTTACCCCATGG-3'